The following is an entry in ClinVar:

ClinVar aggregate classification (germline): Uncertain significance. Review status: criteria provided, multiple submitters, no conflicts (2 of 4 stars). 4 submissions from 4 submitters: Uncertain significance (3). 1 of the submissions does not count toward it. Last evaluated 2026-04-14.

Conditions:
Inborn genetic diseases. Identifiers: MedGen C0950123, MeSH D030342.
Epidermolysis bullosa dystrophica. Also called: Dystrophic epidermolysis bullosa; Dystrophic epidermolysis bullosa, Hallopeau-Siemens type (formerly). Identifiers: Orphanet 303, MedGen C0079294, MONDO:0006543.

Allele frequency attached by ClinVar (database versions not stated): TOPMed 0.00005; gnomAD 0.00006 and 0.00005; ESP Exome Variant Server 0.00008; gnomAD exomes 0.00003 and 0.00005; ExAC 0.00005.
gnomAD v4.1: 56 of 1,612,712 alleles (0.0035%); highest among the groups gnomAD compares: African/African-American, 0.013%; no homozygotes.

Submissions (4):

Women's Health and Genetics/Laboratory Corporation of America, LabCorp
Classification: Uncertain significance. Last evaluated: 2026-04-14. Review status: criteria provided, single submitter. Criteria: LabCorp Variant Classification Summary - May 2015. Collection method: clinical testing. Allele origin: germline.

Ambry Genetics
Classification: Uncertain significance for Inborn genetic diseases. Last evaluated: 2025-03-20. Review status: criteria provided, single submitter. Criteria: Ambry Variant Classification Scheme 2023. Collection method: clinical testing. Allele origin: germline.

Labcorp Genetics (formerly Invitae), Labcorp
Classification: Uncertain significance. Last evaluated: 2025-01-05. Review status: criteria provided, single submitter. Criteria: Invitae Variant Classification Sherloc (09022015). Collection method: clinical testing. Allele origin: germline.
Comment: This sequence change replaces proline, which is neutral and non-polar, with leucine, which is neutral and non-polar, at codon 889 of the COL7A1 protein (p.Pro889Leu). This variant is present in population databases (rs146783561, gnomAD 0.009%). This variant has not been reported in the literature in individuals affected with COL7A1-related conditions. ClinVar contains an entry for this variant (Variation ID: 1000154). Invitae Evidence Modeling of protein sequence and biophysical properties (such as structural, functional, and spatial information, amino acid conservation, physicochemical variation, residue mobility, and thermodynamic stability) indicates that this missense variant is not expected to disrupt COL7A1 protein function with a negative predictive value of 95%. In summary, the available evidence is currently insufficient to determine the role of this variant in disease. Therefore, it has been classified as a Variant of Uncertain Significance.

Natera, Inc.
Classification: Uncertain significance for Dystrophic epidermolysis bullosa. Last evaluated: 2020-04-02. Review status: no assertion criteria provided. Collection method: clinical testing. Allele origin: germline. Not counted in ClinVar's aggregate classification.

NM_000094.4(COL7A1):c.2666C>T (p.Pro889Leu)

Gene: COL7A1 (collagen type VII alpha 1 chain; minus strand). Cytogenetic location: 3p21.31.
Variant type: single nucleotide variant.
Coding change: c.2666C>T on transcript NM_000094.4 (MANE Select); coding-DNA position 2666, C replaced by T.
Protein change: p.Pro889Leu; replaces proline 889 with leucine.
Molecular consequence: missense variant.
Genome position (GRCh38, 1-based): chr3:48,588,326, G>A on the plus strand (C>T on the coding strand, the complement: COL7A1 is on the minus strand). VCF-style: chr3-48588326-G-A. GRCh37 (hg19) VCF-style: chr3-48625759-G-A.
Other names: c.2666C>T (NM_000094.3); short protein forms P889L.
Identifiers: ClinVar variation 1000154 (VCV001000154.7), dbSNP rs146783561, ClinGen allele CA2380794.